The following is an entry in ClinVar:

NM_000334.4(SCN4A):c.3912+277G>A

Genes: GH-LCR (growth hormone locus control region; plus strand), SCN4A (sodium voltage-gated channel alpha subunit 4; minus strand). Cytogenetic location: 17q23.3.
Variant type: single nucleotide variant.
Coding change: c.3912+277G>A on transcript NM_000334.4 (MANE Select); 277 bases into the intron after coding-DNA position 3912, G replaced by A.
Molecular consequence: intron variant.
Genome position (GRCh38, 1-based): chr17:63,944,396, C>T on the plus strand (G>A on the coding strand, the complement: SCN4A is on the minus strand). VCF-style: chr17-63944396-C-T. GRCh37 (hg19) VCF-style: chr17-62021756-C-T.
Identifiers: ClinVar variation 674226 (VCV000674226.2), dbSNP rs9892556, ClinGen allele CA292959138.

ClinVar aggregate classification (germline): Likely benign. Review status: criteria provided, multiple submitters, no conflicts (2 of 4 stars). 2 submissions from 2 submitters: Likely benign (2). Last evaluated 2018-06-19.

Allele frequency attached by ClinVar (database versions not stated): 1000 Genomes Project 0.00459; 1000 Genomes Project 30x 0.00484; gnomAD 0.00522 and 0.00569; TOPMed 0.00567.
gnomAD v4.1: 787 of 152,212 alleles (0.52%); highest among the groups gnomAD compares: African/African-American, 1.8%; 8 homozygotes.

Submissions (2):

GeneDx
Classification: Likely benign. Last evaluated: 2018-06-19. Review status: criteria provided, single submitter. Criteria: GeneDx Variant Classification (06012015). Collection method: clinical testing. Allele origin: germline. Affected: yes.
Comment: This variant is considered likely benign or benign based on one or more of the following criteria: it is a conservative change, it occurs at a poorly conserved position in the protein, it is predicted to be benign by multiple in silico algorithms, and/or has population frequency not consistent with disease.

Breakthrough Genomics
Classification: Likely benign. Review status: criteria provided, single submitter. Criteria: ACMG Guidelines, 2015. Collection method: not provided. Allele origin: germline. Inheritance: Autosomal recessive inheritance. Affected: yes.